The following is an entry in ClinVar:

ClinVar aggregate classification (germline): Likely pathogenic. Review status: criteria provided, multiple submitters, no conflicts (2 of 4 stars). 2 submissions from 2 submitters: Likely pathogenic (2). Last evaluated 2024-07-21.

Conditions:
Duchenne muscular dystrophy (DMD). Also called: Duchenne Muscular Dystrophy (DMD); MUSCULAR DYSTROPHY, PSEUDOHYPERTROPHIC PROGRESSIVE, DUCHENNE TYPE. Identifiers: Orphanet 98896, MedGen C0013264, MONDO:0010679, OMIM 310200.

Submissions (2):

Labcorp Genetics (formerly Invitae), Labcorp
Classification: Likely pathogenic for Duchenne muscular dystrophy. Last evaluated: 2024-07-21. Review status: criteria provided, single submitter. Criteria: Invitae Variant Classification Sherloc (09022015). Collection method: clinical testing. Allele origin: germline.
Comment: This sequence change falls in intron 66 of the DMD gene. It does not directly change the encoded amino acid sequence of the DMD protein. It affects a nucleotide within the consensus splice site. This variant is not present in population databases (gnomAD no frequency). This variant has been observed in individuals with Duchenne muscular dystrophy (PMID: 26968818; Invitae). ClinVar contains an entry for this variant (Variation ID: 803800). Variants that disrupt the consensus splice site are a relatively common cause of aberrant splicing (PMID: 17576681, 9536098). Algorithms developed to predict the effect of sequence changes on RNA splicing suggest that this variant may disrupt the consensus splice site. This variant disrupts the c.9648+5G nucleotide in the DMD gene. Other variant(s) that disrupt this nucleotide have been determined to be pathogenic (PMID: 10722962). This suggests that this nucleotide is clinically significant, and that variants that disrupt this position are likely to be disease-causing. In summary, the currently available evidence indicates that the variant is pathogenic, but additional data are needed to prove that conclusively. Therefore, this variant has been classified as Likely Pathogenic.

Mendelics
Classification: Likely pathogenic for Duchenne muscular dystrophy. Last evaluated: 2019-05-28. Review status: criteria provided, single submitter. Criteria: Mendelics Assertion Criteria 2017. Collection method: clinical testing. Allele origin: unknown.

Literature cited by the submitters: PubMed 26968818 (cited by Labcorp Genetics (formerly Invitae), Labcorp); PubMed 17576681 (cited by Labcorp Genetics (formerly Invitae), Labcorp); PubMed 9536098 (cited by Labcorp Genetics (formerly Invitae), Labcorp); PubMed 10722962 (cited by Labcorp Genetics (formerly Invitae), Labcorp).

NM_004006.3(DMD):c.9649+2dup

Gene: DMD (dystrophin; minus strand). Cytogenetic location: Xp21.2.
Variant type: Duplication.
Coding change: c.9649+2dup on transcript NM_004006.3 (MANE Select); the canonical splice donor site of the intron after coding-DNA position 9649, one base duplicated (T; older notation c.9649+2dupT).
Molecular consequence: splice donor variant.
Genome position (GRCh38, 1-based): chrX:31,206,580, A duplicated on the plus strand (T on the coding strand, the reverse complement: DMD is on the minus strand). VCF-style (leftmost placement, unchanged base first): chrX-31206579-T-TA. GRCh37 (hg19) VCF-style: chrX-31224696-T-TA.
Other names: c.9625+2dup (NM_000109.4); c.5626+2dup (NM_004011.4); c.5617+2dup (NM_004012.4); c.2269+2dup (NM_004023.3, NM_004020.4, NM_004022.3 and 2 more transcripts); c.1462+2dup (NM_004014.3); c.445+2dup (NM_004018.3, NM_004017.3, NM_004016.3 and 2 more transcripts); c.9637+2dup (NM_004009.3); c.9280+2dup (NM_004010.3).
Identifiers: ClinVar variation 803800 (VCV000803800.9), dbSNP rs1602695597, ClinGen allele CA915950871.